The following is an entry in ClinVar:

NM_002878.4(RAD51D):c.486del (p.Ala163fs)

Genes: RAD51D (RAD51 paralog D; minus strand), RAD51L3-RFFL (RAD51L3-RFFL readthrough; minus strand). Cytogenetic location: 17q12.
Variant type: Deletion.
Coding change: c.486del on transcript NM_002878.4 (MANE Select); coding-DNA position 486, one base deleted (A; older notation c.486delA).
Protein change: p.Ala163fs; shifts the reading frame from alanine 163.
Molecular consequence: frameshift variant. On other transcripts: non-coding transcript variant (3).
Genome position (GRCh38, 1-based): chr17:35,106,476, T deleted on the plus strand (A on the coding strand, the reverse complement: RAD51D is on the minus strand); the first of 2 consecutive T bases (chr17:35,106,476-35,106,477); deleting either gives the same sequence. VCF-style (leftmost placement, unchanged base first): chr17-35106475-CT-C. GRCh37 (hg19) VCF-style: chr17-33433494-CT-C.
Other names: c.486delA (NM_002878.3); c.546del, p.Ala183fs (NM_001142571.2); c.150del, p.Ala51fs (NM_133629.3); short protein forms A51fs, A183fs, A163fs.
Identifiers: ClinVar variation 1458065 (VCV001458065.7), dbSNP rs2142429702, ClinGen allele CA2573153499.

ClinVar aggregate classification (germline): Pathogenic. Review status: criteria provided, multiple submitters, no conflicts (2 of 4 stars). 2 submissions from 2 submitters: Pathogenic (2). Last evaluated 2024-10-01.

Conditions:
Breast-ovarian cancer, familial, susceptibility to, 4. Identifiers: Orphanet 145, MedGen C3280345, MONDO:0013669, OMIM 614291.
Hereditary cancer-predisposing syndrome. Also called: Neoplastic Syndromes, Hereditary; Hereditary Cancer Syndrome; Hereditary neoplastic syndrome; Tumor predisposition. Identifiers: Orphanet 140162, MedGen C0027672, MeSH D009386, MONDO:0015356.

Submissions (2):

Labcorp Genetics (formerly Invitae), Labcorp
Classification: Pathogenic for Breast-ovarian cancer, familial, susceptibility to, 4. Last evaluated: 2024-10-01. Review status: criteria provided, single submitter. Criteria: Invitae Variant Classification Sherloc (09022015). Collection method: clinical testing. Allele origin: germline.
Comment: This sequence change creates a premature translational stop signal (p.Ala163Leufs*31) in the RAD51D gene. It is expected to result in an absent or disrupted protein product. Loss-of-function variants in RAD51D are known to be pathogenic (PMID: 21822267). This variant is not present in population databases (gnomAD no frequency). This variant has not been reported in the literature in individuals affected with RAD51D-related conditions. ClinVar contains an entry for this variant (Variation ID: 1458065). For these reasons, this variant has been classified as Pathogenic.

Ambry Genetics
Classification: Pathogenic for Hereditary cancer-predisposing syndrome. Last evaluated: 2024-07-06. Review status: criteria provided, single submitter. Criteria: Ambry Variant Classification Scheme 2023. Collection method: clinical testing. Allele origin: germline.
Comment: The c.486delA pathogenic mutation, located in coding exon 6 of the RAD51D gene, results from a deletion of one nucleotide at nucleotide position 486, causing a translational frameshift with a predicted alternate stop codon (p.A163Lfs*31). This alteration is expected to result in loss of function by premature protein truncation or nonsense-mediated mRNA decay. As such, this alteration is interpreted as a disease-causing mutation.

Literature cited by the submitters: PubMed 21822267 (cited by Labcorp Genetics (formerly Invitae), Labcorp).